The following is an entry in ClinVar:

NM_021008.4(DEAF1):c.320G>T (p.Gly107Val)

Gene: DEAF1 (DEAF1 transcription factor; minus strand). Cytogenetic location: 11p15.5.
Variant type: single nucleotide variant.
Coding change: c.320G>T on transcript NM_021008.4 (MANE Select); coding-DNA position 320, G replaced by T.
Protein change: p.Gly107Val; replaces glycine 107 with valine.
Molecular consequence: missense variant. On other transcripts: 5 prime UTR variant (1).
Genome position (GRCh38, 1-based): chr11:691,568, C>A on the plus strand (G>T on the coding strand, the complement: DEAF1 is on the minus strand). VCF-style: chr11-691568-C-A. GRCh37 (hg19) VCF-style: chr11-691568-C-A.
Other names: c.320G>T (NM_021008.2); c.320G>T, p.Gly107Val (NM_001293634.2); c.-407G>T (NM_001367390.1); short protein forms G107V.
Identifiers: ClinVar variation 1412580 (VCV001412580.9), dbSNP rs191496432, ClinGen allele CA5786593.

ClinVar aggregate classification (germline): Uncertain significance. Review status: criteria provided, multiple submitters, no conflicts (2 of 4 stars). 2 submissions from 2 submitters: Uncertain significance (2). Last evaluated 2025-12-11.

Conditions:
Inborn genetic diseases. Identifiers: MedGen C0950123, MeSH D030342.

Allele frequency attached by ClinVar (database versions not stated): gnomAD exomes below 0.00001 and 0.00002; TOPMed below 0.00001; gnomAD 0.00001; ExAC 0.00002; 1000 Genomes Project 0.00020; 1000 Genomes Project 30x 0.00031.
gnomAD v4.1: 7 of 1,613,746 alleles (0.00043%); highest among the groups gnomAD compares: Admixed American, 0.0067%; no homozygotes.

Submissions (2):

Ambry Genetics
Classification: Uncertain significance for Inborn genetic diseases. Last evaluated: 2025-12-11. Review status: criteria provided, single submitter. Criteria: Ambry Variant Classification Scheme 2023. Collection method: clinical testing. Allele origin: germline.

Labcorp Genetics (formerly Invitae), Labcorp
Classification: Uncertain significance. Last evaluated: 2025-05-01. Review status: criteria provided, single submitter. Criteria: Invitae Variant Classification Sherloc (09022015). Collection method: clinical testing. Allele origin: germline.
Comment: This sequence change replaces glycine, which is neutral and non-polar, with valine, which is neutral and non-polar, at codon 107 of the DEAF1 protein (p.Gly107Val). This variant is present in population databases (rs191496432, gnomAD 0.009%). This variant has not been reported in the literature in individuals affected with DEAF1-related conditions. ClinVar contains an entry for this variant (Variation ID: 1412580). Invitae Evidence Modeling of protein sequence and biophysical properties (such as structural, functional, and spatial information, amino acid conservation, physicochemical variation, residue mobility, and thermodynamic stability) indicates that this missense variant is not expected to disrupt DEAF1 protein function with a negative predictive value of 80%. In summary, the available evidence is currently insufficient to determine the role of this variant in disease. Therefore, it has been classified as a Variant of Uncertain Significance.